The following is an entry in ClinVar:

NM_001164665.2(KIAA1549):c.2082G>A (p.Ser694=)

Gene: KIAA1549 (KIAA1549; minus strand). Cytogenetic location: 7q34.
Variant type: single nucleotide variant.
Coding change: c.2082G>A on transcript NM_001164665.2 (MANE Select); coding-DNA position 2082, G replaced by A.
Protein change: p.Ser694=; no amino-acid change (serine 694 retained).
Molecular consequence: synonymous variant.
Genome position (GRCh38, 1-based): chr7:138,917,544, C>T on the plus strand (G>A on the coding strand, the complement: KIAA1549 is on the minus strand). VCF-style: chr7-138917544-C-T. GRCh37 (hg19) VCF-style: chr7-138602290-C-T.
Other names: c.2082G>A (NM_001164665.1); c.2082G>A, p.Ser694= (NM_020910.3).
Identifiers: ClinVar variation 1157499 (VCV001157499.12), dbSNP rs146280134, ClinGen allele CA4506576.

ClinVar aggregate classification (germline): Likely benign. Review status: criteria provided, multiple submitters, no conflicts (2 of 4 stars). 3 submissions from 3 submitters: Likely benign (2). 1 of the submissions does not count toward it. Last evaluated 2026-01-19.

Conditions:
KIAA1549-related disorder. Also called: KIAA1549-related condition.

Allele frequency attached by ClinVar (database versions not stated): gnomAD exomes 0.00007; ESP Exome Variant Server 0.00008; ExAC 0.00009; 1000 Genomes Project 30x 0.00016; 1000 Genomes Project 0.00020; gnomAD 0.00022 and 0.00024; TOPMed 0.00029.
gnomAD v4.1: 78 of 1,613,692 alleles (0.0048%); highest among the groups gnomAD compares: African/African-American, 0.051%; no homozygotes.

Submissions (3):

Labcorp Genetics (formerly Invitae), Labcorp
Classification: Likely benign. Last evaluated: 2026-01-19. Review status: criteria provided, single submitter. Criteria: Invitae Variant Classification Sherloc (09022015). Collection method: clinical testing. Allele origin: germline.

Blueprint Genetics
Classification: Likely benign. Last evaluated: 2024-10-02. Review status: criteria provided, single submitter. Criteria: ACMG Guidelines, 2015. Collection method: clinical testing. Allele origin: germline.

PreventionGenetics, part of Exact Sciences
Classification: Likely benign for KIAA1549-related condition. Last evaluated: 2019-09-17. Review status: no assertion criteria provided. Collection method: clinical testing. Allele origin: germline. Not counted in ClinVar's aggregate classification.
Comment: This variant is classified as likely benign based on ACMG/AMP sequence variant interpretation guidelines (Richards et al. 2015 PMID: 25741868, with internal and published modifications).